The following is an entry in ClinVar:

NM_000214.3(JAG1):c.1390dup (p.Cys464fs)

Gene: JAG1 (jagged canonical Notch ligand 1; minus strand). Cytogenetic location: 20p12.2.
Variant type: Duplication.
Coding change: c.1390dup on transcript NM_000214.3 (MANE Select); coding-DNA position 1390, one base duplicated (T; older notation c.1390dupT).
Protein change: p.Cys464fs; shifts the reading frame from cysteine 464.
Molecular consequence: frameshift variant.
Genome position (GRCh38, 1-based): chr20:10,649,066, A duplicated on the plus strand (T on the coding strand, the reverse complement: JAG1 is on the minus strand). VCF-style (leftmost placement, unchanged base first): chr20-10649065-C-CA. GRCh37 (hg19) VCF-style: chr20-10629713-C-CA.
Other names: short protein forms C464fs.
Identifiers: ClinVar variation 4991585 (VCV004991585.3).

ClinVar aggregate classification (germline): Pathogenic. Review status: criteria provided, multiple submitters, no conflicts (2 of 4 stars). 2 submissions from 2 submitters: Pathogenic (2). Last evaluated 2025-09-09.

Conditions:
Deafness, congenital heart defects, and posterior embryotoxon (DCHE). Identifiers: MedGen C1866053, MONDO:0060713, OMIM 617992.
Alagille syndrome due to a JAG1 point mutation. Also called: HEPATIC DUCTULAR HYPOPLASIA, SYNDROMATIC; Alagille Syndrome 1; JAG1-Related Alagille Syndrome. Identifiers: Orphanet 261619, Orphanet 52, MedGen C1956125, MONDO:0016862, OMIM 118450.
Tetralogy of Fallot (TOF). Identifiers: Orphanet 3303, MedGen C0039685, MONDO:0008542, OMIM 187500, HP:0001636.
Charcot-Marie-Tooth disease, axonal, Type 2HH. Also called: CHARCOT-MARIE-TOOTH NEUROPATHY, TYPE 2HH. Identifiers: MedGen C5562003, MONDO:0030458, OMIM 619574.
JAG1-related disorder. Also called: JAG1-related disorders; JAG1-related condition.

Submissions (2):

PreventionGenetics, part of Exact Sciences
Classification: Pathogenic for JAG1-related condition. Last evaluated: 2025-09-09. Review status: criteria provided, single submitter. Criteria: ACMG Guidelines, 2015. Collection method: clinical testing. Allele origin: germline.
Comment: The JAG1 c.1390dupT variant is predicted to result in a frameshift and premature protein termination (p.Cys464Leufs*6). To our knowledge, this variant has not been reported in the literature or in a large population database (gnomAD), indicating this variant is rare. Frameshift variants in JAG1 are expected to be pathogenic. This variant is interpreted as pathogenic.

Juno Genomics, Hangzhou Juno Genomics, Inc
Classification: Pathogenic for Tetralogy of Fallot; Deafness, congenital heart defects, and posterior embryotoxon; Alagille syndrome due to a JAG1 point mutation; Charcot-Marie-Tooth disease, axonal, Type 2HH. Review status: criteria provided, single submitter. Criteria: ACMG Guidelines, 2015. Collection method: clinical testing. Allele origin: germline.
Comment: Absent from controls (or at extremely low frequency if recessive) in Genome Aggregation Database.;Null variant in a gene where loss of function (LOF) is a known mechanism of disease.;Patient's phenotype or family history is highly specific for a disease with a single genetic etiology.